The following is an entry in ClinVar:

ClinVar aggregate classification (germline): Uncertain significance (1 of 4 stars; one submission).

Submission:

Labcorp Genetics (formerly Invitae), Labcorp
Classification: Uncertain significance. Last evaluated: 2024-03-20. Review status: criteria provided, single submitter. Criteria: Invitae Variant Classification Sherloc (09022015). Collection method: clinical testing. Allele origin: germline.
Comment: This sequence change replaces glutamine, which is neutral and polar, with arginine, which is basic and polar, at codon 1005 of the SCN3A protein (p.Gln1005Arg). This variant is not present in population databases (gnomAD no frequency). This variant has not been reported in the literature in individuals affected with SCN3A-related conditions. Advanced modeling of protein sequence and biophysical properties (such as structural, functional, and spatial information, amino acid conservation, physicochemical variation, residue mobility, and thermodynamic stability) performed at Invitae indicates that this missense variant is not expected to disrupt SCN3A protein function with a negative predictive value of 80%. In summary, the available evidence is currently insufficient to determine the role of this variant in disease. Therefore, it has been classified as a Variant of Uncertain Significance.

NM_006922.4(SCN3A):c.3014A>G (p.Gln1005Arg)

Gene: SCN3A (sodium voltage-gated channel alpha subunit 3; minus strand). Cytogenetic location: 2q24.3.
Variant type: single nucleotide variant.
Coding change: c.3014A>G on transcript NM_006922.4 (MANE Select); coding-DNA position 3014, A replaced by G.
Protein change: p.Gln1005Arg; replaces glutamine 1005 with arginine.
Molecular consequence: missense variant.
Genome position (GRCh38, 1-based): chr2:165,128,010, T>C on the plus strand (A>G on the coding strand, the complement: SCN3A is on the minus strand). VCF-style: chr2-165128010-T-C. GRCh37 (hg19) VCF-style: chr2-165984520-T-C.
Other names: c.2867A>G, p.Gln956Arg (NM_001081676.2, NM_001081677.2); short protein forms Q1005R, Q956R.
Identifiers: ClinVar variation 3690605 (VCV003690605.2).
Genomic context (GRCh38, chr2:165,128,010, plus strand): 5'-CACTCCCGCATCTTATTTTTCACATAATCAATTCCCTTTTGCATTCTTCCTACTGCAATC[T>C]GCAGATTATTCATTTCATTGTCATCATCAGTAGCAGCAAGGTTGTCTGAGCTAAATGAAC-3'
Protein context (NP_008853.3, residues 995-1015): TDDDNEMNNL[Gln1005Arg]IAVGRMQKGI